The following is an entry in ClinVar:

ClinVar aggregate classification (germline): Benign. Review status: criteria provided, multiple submitters, no conflicts (2 of 4 stars). 4 submissions from 4 submitters: Benign (4). Last evaluated 2021-09-10.

Conditions:
Spinocerebellar ataxia type 35. Identifiers: Orphanet 276193, MedGen C3888031, MONDO:0013485, OMIM 613908.

Allele frequency attached by ClinVar (database versions not stated): gnomAD exomes 0.36783 and 0.41451; ExAC 0.41753; ESP Exome Variant Server 0.43657; gnomAD 0.44571 and 0.44694; TOPMed 0.45656; 1000 Genomes Project 0.51318; 1000 Genomes Project 30x 0.51437.
gnomAD v4.1: 606,703 of 1,613,206 alleles (38%); highest among the groups gnomAD compares: African/African-American, 63%; 119,207 homozygotes.

Submissions (4):

Genome-Nilou Lab
Classification: Benign for Spinocerebellar ataxia type 35. Last evaluated: 2021-09-10. Review status: criteria provided, single submitter. Criteria: ACMG Guidelines, 2015. Collection method: clinical testing. Allele origin: germline. Affected: no.

GeneDx
Classification: Benign. Last evaluated: 2019-09-25. Review status: criteria provided, single submitter. Criteria: GeneDx Variant Classification Process June 2021. Collection method: clinical testing. Allele origin: germline. Affected: yes.

Illumina Laboratory Services, Illumina
Classification: Benign for Spinocerebellar ataxia type 35. Last evaluated: 2018-01-13. Review status: criteria provided, single submitter. Criteria: ICSL Variant Classification Criteria 13 December 2019. Collection method: clinical testing. Allele origin: germline.
Comment: This variant was observed in the ICSL laboratory as part of a predisposition screen in an ostensibly healthy population. It had not been previously curated by ICSL or reported in the Human Gene Mutation Database (HGMD: prior to June 1st, 2018), and was therefore a candidate for classification through an automated scoring system. Utilizing variant allele frequency, disease prevalence and penetrance estimates, and inheritance mode, an automated score was calculated to assess if this variant is too frequent to cause the disease. Based on the score and internal cut-off values, a variant classified as benign is not then subjected to further curation. The score for this variant resulted in a classification of benign for this disease.

Breakthrough Genomics
Classification: Benign. Review status: criteria provided, single submitter. Criteria: ACMG Guidelines, 2015. Collection method: not provided. Allele origin: germline. Inheritance: Autosomal dominant inheritance. Affected: yes.

NM_198994.3(TGM6):c.*31T>C

Gene: TGM6 (transglutaminase 6; plus strand). Cytogenetic location: 20p13.
Variant type: single nucleotide variant.
Coding change: c.*31T>C on transcript NM_198994.3 (MANE Select); 31 bases downstream of the stop codon, T replaced by C.
Molecular consequence: 3 prime UTR variant.
Genome position (GRCh38, 1-based): chr20:2,432,674, T>C. VCF-style: chr20-2432674-T-C. GRCh37 (hg19) VCF-style: chr20-2413320-T-C.
Other names: c.*140T>C (NM_001254734.2).
Identifiers: ClinVar variation 337941 (VCV000337941.12), dbSNP rs2076652, ClinGen allele CA9732300.